The following is an entry in ClinVar:

ClinVar aggregate classification (germline): Uncertain significance (1 of 4 stars; one submission).

Conditions:
Legius syndrome. Identifiers: Orphanet 137605, MedGen C1969623, MONDO:0012669, OMIM 611431. Disease mechanism: loss of function.

Submission:

Labcorp Genetics (formerly Invitae), Labcorp
Classification: Uncertain significance for Legius syndrome. Last evaluated: 2025-11-15. Review status: criteria provided, single submitter. Criteria: Invitae Variant Classification Sherloc (09022015). Collection method: clinical testing. Allele origin: germline.
Comment: This sequence change affects codon 80 of the SPRED1 mRNA. It is a 'silent' change, meaning that it does not change the encoded amino acid sequence of the SPRED1 protein. This variant is not present in population databases (gnomAD no frequency). This variant has not been reported in the literature in individuals affected with SPRED1-related conditions. Algorithms developed to predict the effect of sequence changes on RNA splicing suggest that this variant may create or strengthen a splice site. In summary, the available evidence is currently insufficient to determine the role of this variant in disease. Therefore, it has been classified as a Variant of Uncertain Significance.

NM_152594.3(SPRED1):c.240C>T (p.Leu80=)

Gene: SPRED1 (sprouty related EVH1 domain containing 1; plus strand). Cytogenetic location: 15q14.
Variant type: single nucleotide variant.
Coding change: c.240C>T on transcript NM_152594.3 (MANE Select); coding-DNA position 240, C replaced by T.
Protein change: p.Leu80=; no amino-acid change (leucine 80 retained).
Molecular consequence: synonymous variant.
Genome position (GRCh38, 1-based): chr15:38,322,273, C>T. VCF-style: chr15-38322273-C-T. GRCh37 (hg19) VCF-style: chr15-38614474-C-T.
Identifiers: ClinVar variation 4754637 (VCV004754637.1).